The following is an entry in ClinVar:

ClinVar aggregate classification (germline): Uncertain significance (1 of 4 stars; one submission).

Submission:

Labcorp Genetics (formerly Invitae), Labcorp
Classification: Uncertain significance. Last evaluated: 2024-09-16. Review status: criteria provided, single submitter. Criteria: Invitae Variant Classification Sherloc (09022015). Collection method: clinical testing. Allele origin: germline.
Comment: This sequence change creates a premature translational stop signal (p.Arg585*) in the MCM5 gene. It is expected to result in an absent or disrupted protein product. However, the current clinical and genetic evidence is not sufficient to establish whether loss-of-function variants in MCM5 cause disease. This variant is present in population databases (no rsID available, gnomAD 0.007%). This variant has not been reported in the literature in individuals affected with MCM5-related conditions. ClinVar contains an entry for this variant (Variation ID: 2091694). In summary, the available evidence is currently insufficient to determine the role of this variant in disease. Therefore, it has been classified as a Variant of Uncertain Significance.

NM_006739.4(MCM5):c.1745_1752dup (p.Arg585Ter)

Gene: MCM5 (minichromosome maintenance complex component 5; plus strand). Cytogenetic location: 22q12.3.
Variant type: Duplication.
Coding change: c.1745_1752dup on transcript NM_006739.4 (MANE Select); coding-DNA positions 1745 to 1752, 8 bases duplicated (TGAAGAAC; older notation c.1745_1752dupTGAAGAAC).
Protein change: p.Arg585Ter; replaces arginine 585 with a stop codon.
Molecular consequence: nonsense.
Genome position (GRCh38, 1-based): chr22:35,419,925-35,419,932, TGAAGAAC duplicated; duplicating any 8 consecutive bases within chr22:35,419,922-35,419,932 gives the same sequence; the c. name uses the placement nearest the transcript's 3' end. VCF-style (leftmost placement, unchanged base first): chr22-35419921-A-AAACTGAAG. GRCh37 (hg19) VCF-style: chr22-35815914-A-AAACTGAAG.
Other names: short protein forms R585*.
Identifiers: ClinVar variation 2091694 (VCV002091694.4), dbSNP rs1432357446, ClinGen allele CA639122171.